The following is an entry in ClinVar:

NM_006379.5(SEMA3C):c.2028A>G (p.Pro676=)

Gene: SEMA3C (semaphorin 3C; minus strand). Cytogenetic location: 7q21.11.
Variant type: single nucleotide variant.
Coding change: c.2028A>G on transcript NM_006379.5 (MANE Select); coding-DNA position 2028, A replaced by G.
Protein change: p.Pro676=; no amino-acid change (proline 676 retained).
Molecular consequence: synonymous variant.
Genome position (GRCh38, 1-based): chr7:80,745,122, T>C on the plus strand (A>G on the coding strand, the complement: SEMA3C is on the minus strand). VCF-style: chr7-80745122-T-C. GRCh37 (hg19) VCF-style: chr7-80374438-T-C.
Other names: c.2082A>G, p.Pro694= (NM_001350120.2); c.1854A>G, p.Pro618= (NM_001350121.2).
Identifiers: ClinVar variation 3058982 (VCV003058982.2), dbSNP rs1949972, ClinGen allele CA4315927.

ClinVar aggregate classification (germline): Benign (0 of 4 stars; one submission).

Conditions:
SEMA3C-related disorder. Also called: SEMA3C-related condition.

Allele frequency attached by ClinVar (database versions not stated): 1000 Genomes Project 30x 0.84010; 1000 Genomes Project 0.84405; TOPMed 0.89115; gnomAD 0.90124; ESP Exome Variant Server 0.90443; ExAC 0.93857; gnomAD exomes 0.97554.
gnomAD v4.1: 1,561,818 of 1,613,868 alleles (97%); highest among the groups gnomAD compares: Non-Finnish European, 99%; 759,539 homozygotes.

Submission:

PreventionGenetics, part of Exact Sciences
Classification: Benign for SEMA3C-related condition. Last evaluated: 2022-07-19. Review status: no assertion criteria provided. Collection method: clinical testing. Allele origin: germline.
Comment: This variant is classified as benign based on ACMG/AMP sequence variant interpretation guidelines (Richards et al. 2015 PMID: 25741868, with internal and published modifications).